The following is an entry in ClinVar:

NM_005802.5(TOPORS):c.1135C>A (p.Pro379Thr)

Gene: TOPORS (TOP1 binding arginine/serine rich protein, E3 ubiquitin ligase; minus strand). Cytogenetic location: 9p21.1.
Variant type: single nucleotide variant.
Coding change: c.1135C>A on transcript NM_005802.5 (MANE Select); coding-DNA position 1135, C replaced by A.
Protein change: p.Pro379Thr; replaces proline 379 with threonine.
Molecular consequence: missense variant.
Genome position (GRCh38, 1-based): chr9:32,543,390, G>T on the plus strand (C>A on the coding strand, the complement: TOPORS is on the minus strand). VCF-style: chr9-32543390-G-T. GRCh37 (hg19) VCF-style: chr9-32543388-G-T.
Other names: c.940C>A, p.Pro314Thr (NM_001195622.2); short protein forms P314T, P379T.
Identifiers: ClinVar variation 866247 (VCV000866247.11), dbSNP rs757085053, ClinGen allele CA5020566.

ClinVar aggregate classification (germline): Uncertain significance. Review status: criteria provided, multiple submitters, no conflicts (2 of 4 stars). 3 submissions from 3 submitters: Uncertain significance (3). Last evaluated 2025-03-18.

Conditions:
Inborn genetic diseases. Identifiers: MedGen C0950123, MeSH D030342.

Allele frequency attached by ClinVar (database versions not stated): ExAC 0.00002.

Submissions (3):

Ambry Genetics
Classification: Uncertain significance for Inborn genetic diseases. Last evaluated: 2025-03-18. Review status: criteria provided, single submitter. Criteria: Ambry Variant Classification Scheme 2023. Collection method: clinical testing. Allele origin: germline.

Labcorp Genetics (formerly Invitae), Labcorp
Classification: Uncertain significance. Last evaluated: 2022-07-19. Review status: criteria provided, single submitter. Criteria: Invitae Variant Classification Sherloc (09022015). Collection method: clinical testing. Allele origin: germline.
Comment: In summary, the available evidence is currently insufficient to determine the role of this variant in disease. Therefore, it has been classified as a Variant of Uncertain Significance. Algorithms developed to predict the effect of missense changes on protein structure and function are either unavailable or do not agree on the potential impact of this missense change (SIFT: "Tolerated"; PolyPhen-2: "Probably Damaging"; Align-GVGD: "Class C0"). ClinVar contains an entry for this variant (Variation ID: 866247). This variant has not been reported in the literature in individuals affected with TOPORS-related conditions. This variant is present in population databases (rs757085053, gnomAD 0.003%). This sequence change replaces proline, which is neutral and non-polar, with threonine, which is neutral and polar, at codon 379 of the TOPORS protein (p.Pro379Thr).

Blueprint Genetics
Classification: Uncertain significance. Last evaluated: 2018-12-28. Review status: criteria provided, single submitter. Criteria: ACMG Guidelines, 2015. Collection method: clinical testing. Allele origin: germline.